The following is an entry in ClinVar:

NM_000091.5(COL4A3):c.1316-3T>C

Genes: COL4A3 (collagen type IV alpha 3 chain; plus strand), MFF-DT (MFF divergent transcript; minus strand). Cytogenetic location: 2q36.3.
Variant type: single nucleotide variant.
Coding change: c.1316-3T>C on transcript NM_000091.5 (MANE Select); 3 bases into the intron before coding-DNA position 1316, T replaced by C.
Molecular consequence: intron variant.
Genome position (GRCh38, 1-based): chr2:227,266,414, T>C. VCF-style: chr2-227266414-T-C. GRCh37 (hg19) VCF-style: chr2-228131130-T-C.
Identifiers: ClinVar variation 2963778 (VCV002963778.3), dbSNP rs746270134, ClinGen allele CA2146615.

ClinVar aggregate classification (germline): Uncertain significance (1 of 4 stars; one submission).

Allele frequency attached by ClinVar (database versions not stated): gnomAD exomes below 0.00001; ExAC 0.00001.
gnomAD v4.1: 5 of 1,612,326 alleles (0.00031%); highest among the groups gnomAD compares: South Asian, 0.0011%; no homozygotes.

Submission:

Labcorp Genetics (formerly Invitae), Labcorp
Classification: Uncertain significance. Last evaluated: 2024-07-17. Review status: criteria provided, single submitter. Criteria: Invitae Variant Classification Sherloc (09022015). Collection method: clinical testing. Allele origin: germline.
Comment: This sequence change falls in intron 21 of the COL4A3 gene. It does not directly change the encoded amino acid sequence of the COL4A3 protein. It affects a nucleotide within the consensus splice site. This variant is present in population databases (rs746270134, gnomAD 0.003%). This variant has not been reported in the literature in individuals affected with COL4A3-related conditions. Variants that disrupt the consensus splice site are a relatively common cause of aberrant splicing (PMID: 17576681, 9536098). Algorithms developed to predict the effect of sequence changes on RNA splicing suggest that this variant is not likely to affect RNA splicing. In summary, the available evidence is currently insufficient to determine the role of this variant in disease. Therefore, it has been classified as a Variant of Uncertain Significance.

Literature cited by the submitters: PubMed 17576681; PubMed 9536098.